The following is an entry in ClinVar:

NM_001004051.4(GPRASP2):c.1511A>C (p.His504Pro)

Genes: ARMCX5-GPRASP2 (ARMCX5-GPRASP2 readthrough; plus strand), GPRASP2 (G protein-coupled receptor associated sorting protein 2; plus strand). Cytogenetic location: Xq22.1.
Variant type: single nucleotide variant.
Coding change: c.1511A>C on transcript NM_001004051.4 (MANE Select); coding-DNA position 1511, A replaced by C.
Protein change: p.His504Pro; replaces histidine 504 with proline.
Molecular consequence: missense variant. On other transcripts: intron variant (3).
Genome position (GRCh38, 1-based): chrX:102,716,380, A>C. VCF-style: chrX-102716380-A-C. GRCh37 (hg19) VCF-style: chrX-101971308-A-C.
Other names: c.1511A>C, p.His504Pro (NM_001199818.1, NM_001184874.3, NM_001184875.3 and 2 more transcripts); c.-820+2114A>C (NM_001350268.2); c.-752+2114A>C (NM_001350269.2); c.-721+2114A>C (NM_001350270.1); short protein forms H504P.
Identifiers: ClinVar variation 4998001 (VCV004998001.1).

ClinVar aggregate classification (germline): Uncertain significance (1 of 4 stars; one submission).

Conditions:
GPRASP2-related disorder. Also called: GPRASP2-related condition.

gnomAD v4.1: 3 of 1,211,698 alleles (0.00025%); highest among the groups gnomAD compares: Admixed American, 0.0022%; no homozygotes.

Submission:

PreventionGenetics, part of Exact Sciences
Classification: Uncertain significance for GPRASP2-related condition. Last evaluated: 2026-03-03. Review status: criteria provided, single submitter. Criteria: ACMG Guidelines, 2015. Collection method: clinical testing. Allele origin: germline.
Comment: The GPRASP2 c.1511A>C variant is predicted to result in the amino acid substitution p.His504Pro. To our knowledge, this variant has not been reported in the literature or in a large population database (gnomAD), indicating this variant is rare. At this time, the clinical significance of this variant is uncertain due to the absence of conclusive functional and genetic evidence.